The following is an entry in ClinVar:

ClinVar aggregate classification (germline): Uncertain significance (1 of 4 stars; one submission).

Conditions:
Surfactant metabolism dysfunction, pulmonary, 4 (SMDP4). Also called: PAP DUE TO CSF2RA DEFICIENCY; CSF2RA DEFICIENCY; PULMONARY ALVEOLAR PROTEINOSIS, CONGENITAL, 4. Identifiers: Orphanet 264675, MedGen C2677877, MONDO:0010424, OMIM 300770.

Allele frequency attached by ClinVar (database versions not stated): gnomAD exomes 0.00002; ExAC 0.00004; gnomAD 0.00004 and 0.00005; TOPMed 0.00005.
gnomAD v4.1: 38 of 1,613,840 alleles (0.0024%); highest among the groups gnomAD compares: Middle Eastern, 0.033%; no homozygotes.

Submission:

Labcorp Genetics (formerly Invitae), Labcorp
Classification: Uncertain significance for Surfactant metabolism dysfunction, pulmonary, 4. Last evaluated: 2022-08-09. Review status: criteria provided, single submitter. Criteria: Invitae Variant Classification Sherloc (09022015). Collection method: clinical testing. Allele origin: germline.
Comment: This sequence change replaces glutamic acid, which is acidic and polar, with glutamine, which is neutral and polar, at codon 371 of the CSF2RA protein (p.Glu371Gln). This variant is present in population databases (no rsID available, gnomAD 0.02%). This variant has not been reported in the literature in individuals affected with CSF2RA-related conditions. ClinVar contains an entry for this variant (Variation ID: 1062760). Algorithms developed to predict the effect of missense changes on protein structure and function output the following: SIFT: "Tolerated"; PolyPhen-2: "Not Available"; Align-GVGD: "Class C0". The glutamine amino acid residue is found in multiple mammalian species, which suggests that this missense change does not adversely affect protein function. In summary, the available evidence is currently insufficient to determine the role of this variant in disease. Therefore, it has been classified as a Variant of Uncertain Significance.

NM_172245.4(CSF2RA):c.1111G>C (p.Glu371Gln)

Gene: CSF2RA (colony stimulating factor 2 receptor subunit alpha; plus strand). Cytogenetic location: Xp22.33.
Variant type: single nucleotide variant.
Coding change: c.1111G>C on transcript NM_172245.4 (MANE Select); coding-DNA position 1111, G replaced by C.
Protein change: p.Glu371Gln; replaces glutamic acid 371 with glutamine.
Molecular consequence: missense variant. On other transcripts: 3 prime UTR variant (5), non-coding transcript variant (1), intron variant (1).
Genome position (GRCh38, 1-based): chrX:1,305,513, G>C. VCF-style: chrX-1305513-G-C. GRCh37 (hg19) VCF-style: chrX-1424406-G-C.
Other names: c.1111G>C, p.Glu371Gln (NM_001161529.2, NM_001161531.2, NM_001379155.1 and 9 more transcripts); c.1213G>C, p.Glu405Gln (NM_001161530.2, NM_001379153.1, NM_001379154.1); c.712G>C, p.Glu238Gln (NM_001161532.2); c.1081G>C, p.Glu361Gln (NM_001379160.1); c.922G>C, p.Glu308Gln (NM_001379166.1); c.*12G>C (NM_001379167.1, NM_001379168.1, NM_001379169.1 and 2 more transcripts); c.947-3889G>C (NM_172246.4); short protein forms E238Q, E308Q, E361Q, E371Q, E405Q.
Identifiers: ClinVar variation 1062760 (VCV001062760.4), dbSNP rs765357225, ClinGen allele CA10331190.